The following is an entry in ClinVar:

NM_015057.5(MYCBP2):c.10367+4T>C

Gene: MYCBP2 (MYC binding protein 2; minus strand). Cytogenetic location: 13q22.3.
Variant type: single nucleotide variant.
Coding change: c.10367+4T>C on transcript NM_015057.5 (MANE Select); 4 bases into the intron after coding-DNA position 10367, T replaced by C.
Molecular consequence: intron variant.
Genome position (GRCh38, 1-based): chr13:77,093,161, A>G on the plus strand (T>C on the coding strand, the complement: MYCBP2 is on the minus strand). VCF-style: chr13-77093161-A-G. GRCh37 (hg19) VCF-style: chr13-77667296-A-G.
Identifiers: ClinVar variation 3040187 (VCV003040187.2), dbSNP rs114006768, ClinGen allele CA7008356.

ClinVar aggregate classification (germline): Benign (0 of 4 stars; one submission).

Conditions:
MYCBP2-related disorder. Also called: MYCBP2-related condition.

Allele frequency attached by ClinVar (database versions not stated): gnomAD exomes 0.00031; ExAC 0.00122; gnomAD 0.00360; TOPMed 0.00404; ESP Exome Variant Server 0.00423; 1000 Genomes Project 30x 0.00453; 1000 Genomes Project 0.00479.
gnomAD v4.1: 1,025 of 1,605,668 alleles (0.064%); highest among the groups gnomAD compares: African/African-American, 1.2%; 3 homozygotes.

Submission:

PreventionGenetics, part of Exact Sciences
Classification: Benign for MYCBP2-related condition. Last evaluated: 2019-11-14. Review status: no assertion criteria provided. Collection method: clinical testing. Allele origin: germline.
Comment: This variant is classified as benign based on ACMG/AMP sequence variant interpretation guidelines (Richards et al. 2015 PMID: 25741868, with internal and published modifications).